The following is an entry in ClinVar:

NM_001371986.1(UNC80):c.3535C>T (p.Arg1179Ter)

Gene: UNC80 (unc-80 subunit of NALCN channel complex; plus strand). Cytogenetic location: 2q34.
Variant type: single nucleotide variant.
Coding change: c.3535C>T on transcript NM_001371986.1 (MANE Select); coding-DNA position 3535, C replaced by T.
Protein change: p.Arg1179Ter; replaces arginine 1179 with a stop codon.
Molecular consequence: nonsense.
Genome position (GRCh38, 1-based): chr2:209,849,531, C>T. VCF-style: chr2-209849531-C-T. GRCh37 (hg19) VCF-style: chr2-210714255-C-T.
Other names: c.3541C>T, p.Arg1181Ter (NM_032504.2); c.3526C>T, p.Arg1176Ter (NM_182587.4); c.3541C>T (NM_032504.1); short protein forms R1181*, R1176*, R1179*.
Identifiers: ClinVar variation 1935934 (VCV001935934.7), dbSNP rs1467630889, ClinGen allele CA350735235.
Genomic context (GRCh38, chr2:209,849,531, plus strand): 5'-CATCTCTCTCCCAACCAAGATGGTGGAAAAAGCAAAAACGTGGTGAATCTTGGAGCAATC[C>T]GACAAGGCATGAAACGCTTCCAATTTCTGTTAAACTGCTGTGAGCCAGGGACAATTCCTG-3'

ClinVar aggregate classification (germline): Pathogenic/Likely pathogenic. Review status: criteria provided, multiple submitters, no conflicts (2 of 4 stars). 3 submissions from 3 submitters: Pathogenic (2); Likely pathogenic (1). Last evaluated 2025-05-30.

Conditions:
UNC80-related disorder. Also called: UNC80-related condition.

gnomAD v4.1: 1 of 1,550,910 alleles (0.000064%); highest among the groups gnomAD compares: Admixed American, 0.002%; no homozygotes.

Submissions (3):

GeneDx
Classification: Pathogenic. Last evaluated: 2025-05-30. Review status: criteria provided, single submitter. Criteria: GeneDx Variant Classification Process June 2021. Collection method: clinical testing. Allele origin: germline. Affected: yes.
Comment: Nonsense variant predicted to result in protein truncation or nonsense mediated decay in a gene for which loss of function is a known mechanism of disease; Not observed at significant frequency in large population cohorts (gnomAD); Has not been previously published as pathogenic or benign to our knowledge

Labcorp Genetics (formerly Invitae), Labcorp
Classification: Pathogenic. Last evaluated: 2025-02-06. Review status: criteria provided, single submitter. Criteria: Invitae Variant Classification Sherloc (09022015). Collection method: clinical testing. Allele origin: germline.
Comment: This sequence change creates a premature translational stop signal (p.Arg1181*) in the UNC80 gene. It is expected to result in an absent or disrupted protein product. Loss-of-function variants in UNC80 are known to be pathogenic (PMID: 26545877, 26708751, 26708753). This variant is present in population databases (no rsID available, gnomAD 0.004%). This variant has not been reported in the literature in individuals affected with UNC80-related conditions. ClinVar contains an entry for this variant (Variation ID: 1935934). For these reasons, this variant has been classified as Pathogenic.

Blueprint Genetics
Classification: Likely pathogenic for UNC80-related disorders. Last evaluated: 2021-07-06. Review status: criteria provided, single submitter. Criteria: ACMG Guidelines, 2015. Collection method: clinical testing. Allele origin: germline. Affected: yes. Observed: 1 variant allele.

Literature cited by the submitters: PubMed 26545877 (cited by Labcorp Genetics (formerly Invitae), Labcorp); PubMed 26708751 (cited by Labcorp Genetics (formerly Invitae), Labcorp); PubMed 26708753 (cited by Labcorp Genetics (formerly Invitae), Labcorp).